The following is an entry in ClinVar:

ClinVar aggregate classification (germline): Uncertain significance. Review status: criteria provided, multiple submitters, no conflicts (2 of 4 stars). 2 submissions from 2 submitters: Uncertain significance (2). Last evaluated 2025-08-18.

Conditions:
Catecholaminergic polymorphic ventricular tachycardia 1. Also called: RYR2-Related Catecholaminergic Polymorphic Ventricular Tachycardia; VENTRICULAR TACHYCARDIA, CATECHOLAMINERGIC POLYMORPHIC, 1, WITH OR WITHOUT ATRIAL DYSFUNCTION AND/OR DILATED CARDIOMYOPATHY; VENTRICULAR TACHYCARDIA, STRESS-INDUCED POLYMORPHIC 1. Identifiers: Orphanet 3286, MedGen C1631597, MONDO:0011484, OMIM 604772.
Catecholaminergic polymorphic ventricular tachycardia (CVPT). Also called: Catecholamine-induced polymorphic ventricular tachycardia. Identifiers: Orphanet 3286, MedGen C5574922, MONDO:0017990.

gnomAD v4.1: 1 of 1,609,282 alleles (0.000062%); highest among the groups gnomAD compares: East Asian, 0.0022%; no homozygotes.

Submissions (2):

Labcorp Genetics (formerly Invitae), Labcorp
Classification: Uncertain significance for Catecholaminergic polymorphic ventricular tachycardia 1. Last evaluated: 2025-08-18. Review status: criteria provided, single submitter. Criteria: Invitae Variant Classification Sherloc (09022015). Collection method: clinical testing. Allele origin: germline.
Comment: This sequence change replaces arginine, which is basic and polar, with lysine, which is basic and polar, at codon 3525 of the RYR2 protein (p.Arg3525Lys). This variant is not present in population databases (gnomAD no frequency). This variant has not been reported in the literature in individuals affected with RYR2-related conditions. ClinVar contains an entry for this variant (Variation ID: 1377546). Invitae Evidence Modeling of protein sequence and biophysical properties (such as structural, functional, and spatial information, amino acid conservation, physicochemical variation, residue mobility, and thermodynamic stability) indicates that this missense variant is not expected to disrupt RYR2 protein function with a negative predictive value of 95%. In summary, the available evidence is currently insufficient to determine the role of this variant in disease. Therefore, it has been classified as a Variant of Uncertain Significance.

All of Us Research Program, National Institutes of Health
Classification: Uncertain significance for Catecholaminergic polymorphic ventricular tachycardia. Last evaluated: 2023-05-16. Review status: criteria provided, single submitter. Criteria: ACMG Guidelines, 2015. Collection method: clinical testing. Allele origin: germline. Inheritance: Autosomal dominant inheritance. Observed: 1 variant allele, 1 heterozygote.
Comment: This missense variant replaces arginine with lysine at codon 3525 of the RYR2 protein. Computational prediction suggests that this variant may not impact protein structure and function (internally defined REVEL score threshold <= 0.5, PMID: 27666373). To our knowledge, functional studies have not been reported for this variant. This variant has not been reported in individuals affected with RYR2-related disorders in the literature. This variant has not been identified in the general population by the Genome Aggregation Database (gnomAD). The available evidence is insufficient to determine the role of this variant in disease conclusively. Therefore, this variant is classified as a Variant of Uncertain Significance.

This study involves interpretation of variants in research participants for the purpose of population health screening. Participant phenotype was not available at the time of variant classification. Additional details can be found in publication PMID: 35346344, PMCID: PMC8962531

NM_001035.3(RYR2):c.10574G>A (p.Arg3525Lys)

Gene: RYR2 (ryanodine receptor 2; plus strand). Cytogenetic location: 1q43.
Variant type: single nucleotide variant.
Coding change: c.10574G>A on transcript NM_001035.3 (MANE Select); coding-DNA position 10574, G replaced by A.
Protein change: p.Arg3525Lys; replaces arginine 3525 with lysine.
Molecular consequence: missense variant.
Genome position (GRCh38, 1-based): chr1:237,723,147, G>A. VCF-style: chr1-237723147-G-A. GRCh37 (hg19) VCF-style: chr1-237886447-G-A.
Other names: short protein forms R3525K.
Identifiers: ClinVar variation 1377546 (VCV001377546.8), dbSNP rs2149125484, ClinGen allele CA345415976.
Genomic context (GRCh38, chr1:237,723,147, plus strand): 5'-ATTCCCATCTTCCCATTGTAACCTTTTCCTTTTTTCTGCAGTTGGAGGATCCTGCTATTA[G>A]ATGGCAAATGGCTCTTTACAAAGACTTACCAAACAGGACTGATGATACCTCAGATCCAGA-3'
Protein context (NP_001026.2, residues 3515-3535): LQGKLEDPAI[Arg3525Lys]WQMALYKDLP